The following is an entry in ClinVar:

NM_001372106.1(DNAH10):c.10498A>T (p.Ile3500Phe)

Gene: DNAH10 (dynein axonemal heavy chain 10; plus strand). Cytogenetic location: 12q24.31.
Variant type: single nucleotide variant.
Coding change: c.10498A>T on transcript NM_001372106.1 (MANE Select); coding-DNA position 10498, A replaced by T.
Protein change: p.Ile3500Phe; replaces isoleucine 3500 with phenylalanine.
Molecular consequence: missense variant.
Genome position (GRCh38, 1-based): chr12:123,914,474, A>T. VCF-style: chr12-123914474-A-T. GRCh37 (hg19) VCF-style: chr12-124399021-A-T.
Other names: c.10144A>T, p.Ile3382Phe (NM_207437.3); short protein forms I3382F, I3500F.
Identifiers: ClinVar variation 5017576 (VCV005017576.1).

ClinVar aggregate classification (germline): Uncertain significance (1 of 4 stars; one submission).

gnomAD v4.1: 11 of 1,613,680 alleles (0.00068%); highest among the groups gnomAD compares: South Asian, 0.0055%; no homozygotes.

Submission:

GeneDx
Classification: Uncertain significance. Last evaluated: 2026-03-31. Review status: criteria provided, single submitter. Criteria: GeneDx Variant Classification Process June 2021. Collection method: clinical testing. Allele origin: germline.
Comment: Not observed at significant frequency in large population cohorts (gnomAD); In silico analysis supports that this missense variant has a deleterious effect on protein structure/function; Has not been previously published as pathogenic or benign to our knowledge